The following is an entry in ClinVar:

ClinVar aggregate classification (germline): Uncertain significance (1 of 4 stars; one submission).

Conditions:
Cortical dysplasia-focal epilepsy syndrome (PTHSL1). Also called: Pitt-Hopkins-like syndrome 1. Identifiers: Orphanet 163681, Orphanet 221150, MedGen C2750246, MONDO:0012400, OMIM 610042.

Allele frequency attached by ClinVar (database versions not stated): gnomAD 0.00001; TOPMed 0.00001.
gnomAD v4.1: 2 of 1,613,528 alleles (0.00012%); highest among the groups gnomAD compares: Non-Finnish European, 0.00017%; no homozygotes.

Submission:

Labcorp Genetics (formerly Invitae), Labcorp
Classification: Uncertain significance for Cortical dysplasia-focal epilepsy syndrome. Last evaluated: 2019-05-15. Review status: criteria provided, single submitter. Criteria: Invitae Variant Classification Sherloc (09022015). Collection method: clinical testing. Allele origin: germline.
Comment: In summary, the available evidence is currently insufficient to determine the role of this variant in disease. Therefore, it has been classified as a Variant of Uncertain Significance. Algorithms developed to predict the effect of missense changes on protein structure and function are either unavailable or do not agree on the potential impact of this missense change (SIFT: "Tolerated"; PolyPhen-2: "Possibly Damaging"; Align-GVGD: "Class C0"). This variant has not been reported in the literature in individuals with CNTNAP2-related conditions. This variant is not present in population databases (ExAC no frequency). This sequence change replaces leucine with phenylalanine at codon 918 of the CNTNAP2 protein (p.Leu918Phe). The leucine residue is highly conserved and there is a small physicochemical difference between leucine and phenylalanine.

NM_014141.6(CNTNAP2):c.2752C>T (p.Leu918Phe)

Gene: CNTNAP2 (contactin associated protein 2; plus strand). Cytogenetic location: 7q35.
Variant type: single nucleotide variant.
Coding change: c.2752C>T on transcript NM_014141.6 (MANE Select); coding-DNA position 2752, C replaced by T.
Protein change: p.Leu918Phe; replaces leucine 918 with phenylalanine.
Molecular consequence: missense variant.
Genome position (GRCh38, 1-based): chr7:148,147,688, C>T. VCF-style: chr7-148147688-C-T. GRCh37 (hg19) VCF-style: chr7-147844780-C-T.
Other names: short protein forms L918F.
Identifiers: ClinVar variation 949154 (VCV000949154.10), dbSNP rs865872013, ClinGen allele CA168815915.